The following is an entry in ClinVar:

ClinVar aggregate classification (germline): Pathogenic (1 of 4 stars; one submission).

Conditions:
Hereditary nonpolyposis colorectal neoplasms. Identifiers: MedGen C0009405, MeSH D003123.

Submission:

Labcorp Genetics (formerly Invitae), Labcorp
Classification: Pathogenic for Hereditary nonpolyposis colorectal neoplasms. Last evaluated: 2022-10-03. Review status: criteria provided, single submitter. Criteria: Invitae Variant Classification Sherloc (09022015). Collection method: clinical testing. Allele origin: germline.
Comment: A gross deletion of the genomic region encompassing the full coding sequence of the MSH6 gene has been identified. Loss-of-function variants in MSH6 are known to be pathogenic (PMID: 18269114, 24362816). The boundaries of this event are unknown as they extend beyond the assayed region for this gene and therefore may encompass additional genes. A similar copy number variant has been observed in individual(s) with clinical features of Lynch syndrome (PMID: 24323032, 28135145). For these reasons, this variant has been classified as Pathogenic.

Literature cited by the submitters: PubMed 18269114; PubMed 24362816; PubMed 24323032; PubMed 28135145.

NC_000002.11:g.(?_48010373)_(48034014_?)del

Gene: MSH6 (mutS homolog 6; plus strand). Cytogenetic location: 2p16.3.
Variant type: Deletion.
Identifiers: ClinVar variation 2422540 (VCV002422540.4).